The following is an entry in ClinVar:

NM_001128228.3(TPRN):c.1436C>G (p.Ala479Gly)

Gene: TPRN (taperin; minus strand). Cytogenetic location: 9q34.3.
Variant type: single nucleotide variant.
Coding change: c.1436C>G on transcript NM_001128228.3 (MANE Select); coding-DNA position 1436, C replaced by G.
Protein change: p.Ala479Gly; replaces alanine 479 with glycine.
Molecular consequence: missense variant.
Genome position (GRCh38, 1-based): chr9:137,199,276, G>C on the plus strand (C>G on the coding strand, the complement: TPRN is on the minus strand). VCF-style: chr9-137199276-G-C. GRCh37 (hg19) VCF-style: chr9-140093728-G-C.
Other names: short protein forms A479G.
Identifiers: ClinVar variation 3906633 (VCV003906633.1).

ClinVar aggregate classification (germline): Uncertain significance (1 of 4 stars; one submission).

gnomAD v4.1: 1 of 1,612,628 alleles (0.000062%); highest among the groups gnomAD compares: Non-Finnish European, 0.000085%; no homozygotes.

Submission:

GeneDx
Classification: Uncertain significance. Last evaluated: 2024-12-20. Review status: criteria provided, single submitter. Criteria: GeneDx Variant Classification Process June 2021. Collection method: clinical testing. Allele origin: germline. Affected: yes.
Comment: Not observed at significant frequency in large population cohorts (gnomAD); In silico analysis indicates that this missense variant does not alter protein structure/function; Has not been previously published as pathogenic or benign to our knowledge